The following is an entry in ClinVar:

ClinVar aggregate classification (germline): Uncertain significance (1 of 4 stars; one submission).

gnomAD v4.1: 4 of 1,613,808 alleles (0.00025%); highest among the groups gnomAD compares: Non-Finnish European, 0.00034%; no homozygotes.

Submission:

Labcorp Genetics (formerly Invitae), Labcorp
Classification: Uncertain significance. Last evaluated: 2025-01-15. Review status: criteria provided, single submitter. Criteria: Invitae Variant Classification Sherloc (09022015). Collection method: clinical testing. Allele origin: germline.
Comment: This sequence change replaces alanine, which is neutral and non-polar, with proline, which is neutral and non-polar, at codon 2534 of the COL7A1 protein (p.Ala2534Pro). This variant is not present in population databases (gnomAD no frequency). This variant has not been reported in the literature in individuals affected with COL7A1-related conditions. Invitae Evidence Modeling of protein sequence and biophysical properties (such as structural, functional, and spatial information, amino acid conservation, physicochemical variation, residue mobility, and thermodynamic stability) indicates that this missense variant is not expected to disrupt COL7A1 protein function with a negative predictive value of 95%. In summary, the available evidence is currently insufficient to determine the role of this variant in disease. Therefore, it has been classified as a Variant of Uncertain Significance.

NM_000094.4(COL7A1):c.7600G>C (p.Ala2534Pro)

Gene: COL7A1 (collagen type VII alpha 1 chain; minus strand). Cytogenetic location: 3p21.31.
Variant type: single nucleotide variant.
Coding change: c.7600G>C on transcript NM_000094.4 (MANE Select); coding-DNA position 7600, G replaced by C.
Protein change: p.Ala2534Pro; replaces alanine 2534 with proline.
Molecular consequence: missense variant.
Genome position (GRCh38, 1-based): chr3:48,569,606, C>G on the plus strand (G>C on the coding strand, the complement: COL7A1 is on the minus strand). VCF-style: chr3-48569606-C-G. GRCh37 (hg19) VCF-style: chr3-48607039-C-G.
Other names: short protein forms A2534P.
Identifiers: ClinVar variation 3721191 (VCV003721191.2).